The following is an entry in ClinVar:

NM_000257.4(MYH7):c.5536C>T (p.Arg1846Cys)

Gene: MYH7 (myosin heavy chain 7; minus strand). Cytogenetic location: 14q11.2.
Variant type: single nucleotide variant.
Coding change: c.5536C>T on transcript NM_000257.4 (MANE Select); coding-DNA position 5536, C replaced by T.
Protein change: p.Arg1846Cys; replaces arginine 1846 with cysteine.
Molecular consequence: missense variant.
Genome position (GRCh38, 1-based): chr14:23,415,018, G>A on the plus strand (C>T on the coding strand, the complement: MYH7 is on the minus strand). VCF-style: chr14-23415018-G-A. GRCh37 (hg19) VCF-style: chr14-23884227-G-A.
Other names: c.5536C>T (LRG_384t1); short protein forms R1846C.
Identifiers: ClinVar variation 161321 (VCV000161321.18), dbSNP rs12590294, ClinGen allele CA016216.
Genomic context (GRCh38, chr14:23,415,018, plus strand): 5'-GTGCCAGGGCTCTGCCTGGAGTCACCGCCCGTCGCACCTGGTAGGTGAGCTCCTTGATGC[G>A]CCGCTCGCTCTTCCTCATGCCCTTCACCGACTCTGCGTTGCGCTTCTGCTCGGCCTCCAG-3'
Protein context (NP_000248.2, residues 1836-1856): SVKGMRKSER[Arg1846Cys]IKELTYQTEE

ClinVar aggregate classification (germline): Uncertain significance. Review status: criteria provided, multiple submitters, no conflicts (2 of 4 stars). 5 submissions from 5 submitters: Uncertain significance (4). 1 of the submissions does not count toward it. Last evaluated 2025-10-18.

Conditions:
Cardiomyopathy (CMYO). Also called: Cardiomyopathies. Identifiers: Orphanet 167848, MedGen C0878544, MONDO:0004994, HP:0001638. Inheritance: Various modes of inheritance.
Hypertrophic cardiomyopathy. Also called: HYPERTROPHIC MYOCARDIOPATHY. Identifiers: Orphanet 217569, MedGen C0007194, MeSH D002312, MONDO:0005045, HP:0001639.
Primary familial hypertrophic cardiomyopathy (HCM). Identifiers: Orphanet 99739, MedGen C0949658, MeSH D024741, MONDO:0024573. Inheritance: Various modes of inheritance.
Cardiovascular phenotype. Identifiers: MedGen CN230736.

Allele frequency attached by ClinVar (database versions not stated): gnomAD exomes 0.00001; ExAC 0.00002; ESP Exome Variant Server 0.00008.

Submissions (5):

Labcorp Genetics (formerly Invitae), Labcorp
Classification: Uncertain significance for Hypertrophic cardiomyopathy. Last evaluated: 2025-10-18. Review status: criteria provided, single submitter. Criteria: Invitae Variant Classification Sherloc (09022015). Collection method: clinical testing. Allele origin: germline.
Comment: This sequence change replaces arginine, which is basic and polar, with cysteine, which is neutral and slightly polar, at codon 1846 of the MYH7 protein (p.Arg1846Cys). This variant is present in population databases (rs12590294, gnomAD 0.006%). This missense change has been observed in individual(s) with arrhythmogenic right ventricular cardiomyopathy and/or hypertrophic cardiomyopathy (PMID: 20800588, 27247418, 29709087, 37653714). ClinVar contains an entry for this variant (Variation ID: 161321). Invitae Evidence Modeling of protein sequence and biophysical properties (such as structural, functional, and spatial information, amino acid conservation, physicochemical variation, residue mobility, and thermodynamic stability) indicates that this missense variant is expected to disrupt MYH7 protein function with a positive predictive value of 95%. In summary, the available evidence is currently insufficient to determine the role of this variant in disease. Therefore, it has been classified as a Variant of Uncertain Significance.

Ambry Genetics
Classification: Uncertain significance for Cardiovascular phenotype. Last evaluated: 2024-11-13. Review status: criteria provided, single submitter. Criteria: Ambry Variant Classification Scheme 2023. Collection method: clinical testing. Allele origin: germline.
Comment: The p.R1846C variant (also known as c.5536C>T), located in coding exon 35 of the MYH7 gene, results from a C to T substitution at nucleotide position 5536. The arginine at codon 1846 is replaced by cysteine, an amino acid with highly dissimilar properties. This variant was reported in individuals in a hypertrophic cardiomyopathy cohort and a ventricular fibrillation cohort, but clinical details were limited (Millat G et al. Clin Chim Acta, 2010 Dec;411:1983-91; Jeong JH et al. Korean Circ J, 2023 Oct;53:693-707). This amino acid position is highly conserved in available vertebrate species. In addition, this alteration is predicted to be deleterious by in silico analysis. Based on the available evidence, the clinical significance of this variant remains unclear.

All of Us Research Program, National Institutes of Health
Classification: Uncertain significance for Cardiomyopathy. Last evaluated: 2024-05-30. Review status: criteria provided, single submitter. Criteria: ACMG Guidelines, 2015. Collection method: clinical testing. Allele origin: germline. Inheritance: Autosomal dominant inheritance. Observed: 2 variant alleles, 2 heterozygotes.
Comment: This missense variant replaces arginine with cysteine at codon 1846 of the MYH7 protein. Computational prediction tools indicate that this variant has a deleterious impact on protein structure and function. To our knowledge, functional studies have not been reported for this variant. This variant has been reported in one individual affected with hypertrophic cardiomyopathy (PMID: 20800588), in one individual affected with arrhythmogenic right ventricular cardiomyopathy (PMID: 29709087), and in one individual affected with idiopathic ventricular fibrillation (PMID: 37653714). This variant has been identified in 3/248286 chromosomes in the general population by the Genome Aggregation Database (gnomAD). The available evidence is insufficient to determine the role of this variant in disease conclusively. Therefore, this variant is classified as a Variant of Uncertain Significance.

This study involves interpretation of variants in research participants for the purpose of population health screening. Participant phenotype was not available at the time of variant classification. Additional details can be found in publication PMID: 35346344, PMCID: PMC8962531

Color Diagnostics, LLC DBA Color Health
Classification: Uncertain significance for Cardiomyopathy. Last evaluated: 2024-05-02. Review status: criteria provided, single submitter. Criteria: ACMG Guidelines, 2015. Collection method: clinical testing. Allele origin: germline.
Comment: This missense variant replaces arginine with cysteine at codon 1846 of the MYH7 protein. Computational prediction tools indicate that this variant has a deleterious impact on protein structure and function. To our knowledge, functional studies have not been reported for this variant. This variant has been reported in one individual affected with hypertrophic cardiomyopathy (PMID: 20800588), in one individual affected with arrhythmogenic right ventricular cardiomyopathy (PMID: 29709087), and in one individual affected with idiopathic ventricular fibrillation (PMID: 37653714). This variant has been identified in 3/248286 chromosomes in the general population by the Genome Aggregation Database (gnomAD). The available evidence is insufficient to determine the role of this variant in disease conclusively. Therefore, this variant is classified as a Variant of Uncertain Significance.

CSER _CC_NCGL, University of Washington
Classification: Uncertain significance for Cardiomyopathy, hypertrophic. Last evaluated: 2014-06-01. Review status: no assertion criteria provided. Collection method: research. Allele origin: germline. Inheritance: Autosomal dominant inheritance. Study: ESP 6500 variant annotation. Not counted in ClinVar's aggregate classification.
Comment: Variants classified for the Actionable exomic incidental findings in 6503 participants: challenges of variant classification manuscript

Literature cited by the submitters: PubMed 20800588 (cited by 4 submitters); PubMed 27247418 (cited by Labcorp Genetics (formerly Invitae), Labcorp); PubMed 29709087 (cited by 3 submitters); PubMed 37653714 (cited by 4 submitters).